The following is an entry in ClinVar:

ClinVar aggregate classification (germline): Uncertain significance (1 of 4 stars; one submission).

Allele frequency attached by ClinVar (database versions not stated): ExAC 0.00002; gnomAD exomes 0.00002.

Submission:

GeneDx
Classification: Uncertain significance. Last evaluated: 2024-09-03. Review status: criteria provided, single submitter. Criteria: GeneDx Variant Classification Process June 2021. Collection method: clinical testing. Allele origin: germline. Affected: yes.
Comment: In silico analysis indicates that this missense variant does not alter protein structure/function; Has not been previously published as pathogenic or benign to our knowledge; This variant is associated with the following publications: (PMID: 19343043, 22253258)

NM_000152.5(GAA):c.2690C>G (p.Ala897Gly)

Gene: GAA (alpha glucosidase; plus strand). Cytogenetic location: 17q25.3.
Variant type: single nucleotide variant.
Coding change: c.2690C>G on transcript NM_000152.5 (MANE Select); coding-DNA position 2690, C replaced by G.
Protein change: p.Ala897Gly; replaces alanine 897 with glycine.
Molecular consequence: missense variant.
Genome position (GRCh38, 1-based): chr17:80,118,696, C>G. VCF-style: chr17-80118696-C-G. GRCh37 (hg19) VCF-style: chr17-78092495-C-G.
Other names: c.2690C>G, p.Ala897Gly (NM_001079803.3, NM_001079804.3); short protein forms A897G.
Identifiers: ClinVar variation 1186502 (VCV001186502.3), dbSNP rs781520538, ClinGen allele CA8815835.